The following is an entry in ClinVar:

NM_024312.5(GNPTAB):c.1479G>A (p.Trp493Ter)

Gene: GNPTAB (N-acetylglucosamine-1-phosphate transferase subunits alpha and beta; minus strand). Cytogenetic location: 12q23.2.
Variant type: single nucleotide variant.
Coding change: c.1479G>A on transcript NM_024312.5 (MANE Select); coding-DNA position 1479, G replaced by A.
Protein change: p.Trp493Ter; replaces tryptophan 493 with a stop codon.
Molecular consequence: nonsense.
Genome position (GRCh38, 1-based): chr12:101,766,224, C>T on the plus strand (G>A on the coding strand, the complement: GNPTAB is on the minus strand). VCF-style: chr12-101766224-C-T. GRCh37 (hg19) VCF-style: chr12-102160002-C-T.
Other names: short protein forms W493*.
Identifiers: ClinVar variation 1724450 (VCV001724450.8), dbSNP rs2547958737, ClinGen allele CA386301319.

ClinVar aggregate classification (germline): Pathogenic/Likely pathogenic. Review status: criteria provided, multiple submitters, no conflicts (2 of 4 stars). 2 submissions from 2 submitters: Pathogenic (1); Likely pathogenic (1). Last evaluated 2022-05-19.

Conditions:
GNPTAB-mucolipidosis. Also called: UDP-N-acetylglucosamine-1-phosphotransferase subunit alpha/beta deficiency. Identifiers: MedGen CN322573, MONDO:0100122.
Pseudo-Hurler polydystrophy. Also called: ML III; ML III ALPHA/BETA; MUCOLIPIDOSIS IIIA; Type III Mucolipidosis; ML IIIA; Mucolipidosis III Alpha/Beta. Identifiers: Orphanet 423461, Orphanet 577, MedGen C0033788, MONDO:0018931, OMIM 252600.
Mucolipidosis type II. Also called: ML II ALPHA/BETA; Mucolipidosis II Alpha/Beta; Mucolipidosis 2; ML 2; Inclusion cell disease; Leroy Disease. Identifiers: Orphanet 576, MedGen C2673377, MONDO:0009650, OMIM 252500.

Submissions (2):

Labcorp Genetics (formerly Invitae), Labcorp
Classification: Pathogenic for Pseudo-Hurler polydystrophy; Mucolipidosis type II. Last evaluated: 2022-05-19. Review status: criteria provided, single submitter. Criteria: Invitae Variant Classification Sherloc (09022015). Collection method: clinical testing. Allele origin: germline.
Comment: This sequence change creates a premature translational stop signal (p.Trp493*) in the GNPTAB gene. It is expected to result in an absent or disrupted protein product. Loss-of-function variants in GNPTAB are known to be pathogenic (PMID: 19617216, 25107912). This variant is not present in population databases (gnomAD no frequency). This variant has not been reported in the literature in individuals affected with GNPTAB-related conditions. For these reasons, this variant has been classified as Pathogenic.

Myriad Genetics, Inc.
Classification: Likely pathogenic for GNPTAB-mucolipidosis. Last evaluated: 2021-11-13. Review status: criteria provided, single submitter. Criteria: Myriad Autosomal Dominant, Autosomal Recessive and X-Linked Classification Criteria (2023). Collection method: clinical testing. Allele origin: unknown.
Comment: NM_024312.4(GNPTAB):c.1479G>A(W493*) is expected to be pathogenic in the context of GNPTAB-related disorders. This variant is predicted to lead to an abnormal or absent protein product due to the creation of a premature termination codon in GNPTAB, a gene where loss-of-function variants are known to be pathogenic. Please note: this variant was assessed in the context of healthy population screening.

Literature cited by the submitters: PubMed 19617216 (cited by Labcorp Genetics (formerly Invitae), Labcorp); PubMed 25107912 (cited by Labcorp Genetics (formerly Invitae), Labcorp).